The following is an entry in ClinVar:

ClinVar aggregate classification (germline): Benign/Likely benign. Review status: criteria provided, multiple submitters, no conflicts (2 of 4 stars). 7 submissions from 7 submitters: Benign (1); Likely benign (4). 2 of the submissions do not count toward it. Last evaluated 2025-11-18.

Conditions:
WDR45-related disorder. Also called: WDR45-related condition.
Neurodegeneration with brain iron accumulation 5 (NBIA5). Also called: Beta-propeller protein-associated neurodegeneration; STATIC ENCEPHALOPATHY OF CHILDHOOD WITH NEURODEGENERATION IN ADULTHOOD. Identifiers: Orphanet 329284, MedGen C3550973, MONDO:0010476, OMIM 300894.

Allele frequency attached by ClinVar (database versions not stated): gnomAD 0.00009 and 0.00010; TOPMed 0.00009; gnomAD exomes 0.00012 and 0.00017; ExAC 0.00023; ESP Exome Variant Server 0.00028.
gnomAD v4.1: 143 of 1,210,586 alleles (0.012%); highest among the groups gnomAD compares: Middle Eastern, 0.023%; no homozygotes.

Submissions (7):

Labcorp Genetics (formerly Invitae), Labcorp
Classification: Benign for Neurodegeneration with brain iron accumulation 5. Last evaluated: 2025-11-18. Review status: criteria provided, single submitter. Criteria: Invitae Variant Classification Sherloc (09022015). Collection method: clinical testing. Allele origin: germline.

PreventionGenetics, part of Exact Sciences
Classification: Likely benign for WDR45-related condition. Last evaluated: 2025-10-24. Review status: criteria provided, single submitter. Criteria: ACMG Guidelines, 2015. Collection method: clinical testing. Allele origin: germline.
Comment: This variant is classified as likely benign based on ACMG/AMP sequence variant interpretation guidelines (Richards et al. 2015 PMID: 25741868, with internal and published modifications).

CeGaT Center for Human Genetics Tuebingen
Classification: Likely benign. Last evaluated: 2025-09-01. Review status: criteria provided, single submitter. Criteria: CeGaT Center For Human Genetics Tuebingen Variant Classification Criteria Version 2. Collection method: clinical testing. Allele origin: germline. Affected: yes. Observed: 2 variant alleles.
Comment: WDR45: PP3, BS1

Blueprint Genetics
Classification: Likely benign. Last evaluated: 2024-11-08. Review status: criteria provided, single submitter. Criteria: ACMG Guidelines, 2015. Collection method: clinical testing. Allele origin: germline.

GeneDx
Classification: Likely benign. Last evaluated: 2021-01-04. Review status: criteria provided, single submitter. Criteria: GeneDx Variant Classification Process June 2021. Collection method: clinical testing. Allele origin: germline. Affected: yes.
Comment: This variant is associated with the following publications: (PMID: 30746416)

Clinical Genetics DNA and cytogenetics Diagnostics Lab, Erasmus MC, Erasmus Medical Center
Classification: Uncertain significance. Review status: no assertion criteria provided. Collection method: clinical testing. Allele origin: germline. Affected: yes. Study: VKGL Data-share Consensus. Not counted in ClinVar's aggregate classification.

Laboratory of Diagnostic Genome Analysis, Leiden University Medical Center (LUMC)
Classification: Uncertain significance. Review status: no assertion criteria provided. Collection method: clinical testing. Allele origin: germline. Affected: yes. Study: VKGL Data-share Consensus. Not counted in ClinVar's aggregate classification.

NM_001029896.2(WDR45):c.100G>A (p.Val34Met)

Genes: WDR45 (WD repeat domain 45; minus strand), LOC126863256 (BRD4-independent group 4 enhancer GRCh37_chrX:48934848-48936047; plus strand). Cytogenetic location: Xp11.23.
Variant type: single nucleotide variant.
Coding change: c.100G>A on transcript NM_001029896.2 (MANE Select); coding-DNA position 100, G replaced by A.
Protein change: p.Val34Met; replaces valine 34 with methionine.
Molecular consequence: missense variant.
Genome position (GRCh38, 1-based): chrX:49,077,867, C>T on the plus strand (G>A on the coding strand, the complement: WDR45 is on the minus strand). VCF-style: chrX-49077867-C-T. GRCh37 (hg19) VCF-style: chrX-48935526-C-T.
Other names: c.100G>A, p.Val34Met (NM_007075.4); short protein forms V34M.
Identifiers: ClinVar variation 1170598 (VCV001170598.38), dbSNP rs151051355, ClinGen allele CA10408621.